The following is an entry in ClinVar:

ClinVar aggregate classification (germline): Uncertain significance (1 of 4 stars; one submission).

Submission:

Labcorp Genetics (formerly Invitae), Labcorp
Classification: Uncertain significance. Last evaluated: 2022-03-29. Review status: criteria provided, single submitter. Criteria: Invitae Variant Classification Sherloc (09022015). Collection method: clinical testing. Allele origin: germline.
Comment: In summary, the available evidence is currently insufficient to determine the role of this variant in disease. Therefore, it has been classified as a Variant of Uncertain Significance. Algorithms developed to predict the effect of missense changes on protein structure and function are either unavailable or do not agree on the potential impact of this missense change (SIFT: "Deleterious"; PolyPhen-2: "Benign"; Align-GVGD: "Class C0"). This variant has not been reported in the literature in individuals affected with CNTNAP1-related conditions. This variant is not present in population databases (gnomAD no frequency). This sequence change replaces glycine, which is neutral and non-polar, with aspartic acid, which is acidic and polar, at codon 24 of the CNTNAP1 protein (p.Gly24Asp).

NM_003632.3(CNTNAP1):c.71G>A (p.Gly24Asp)

Genes: CNTNAP1 (contactin associated protein 1; plus strand), LOC125177481 (Sharpr-MPRA regulatory region 245; plus strand). Cytogenetic location: 17q21.2.
Variant type: single nucleotide variant.
Coding change: c.71G>A on transcript NM_003632.3 (MANE Select); coding-DNA position 71, G replaced by A.
Protein change: p.Gly24Asp; replaces glycine 24 with aspartic acid.
Molecular consequence: missense variant.
Genome position (GRCh38, 1-based): chr17:42,683,824, G>A. VCF-style: chr17-42683824-G-A. GRCh37 (hg19) VCF-style: chr17-40835842-G-A.
Other names: short protein forms G24D.
Identifiers: ClinVar variation 2119615 (VCV002119615.4), dbSNP rs2543786126, ClinGen allele CA399632044.